The following is an entry in ClinVar:

ClinVar aggregate classification (germline): Uncertain significance (1 of 4 stars; one submission).

gnomAD v4.1: 5 of 1,614,102 alleles (0.00031%); highest among the groups gnomAD compares: Non-Finnish European, 0.00042%; no homozygotes.

Submission:

Labcorp Genetics (formerly Invitae), Labcorp
Classification: Uncertain significance. Last evaluated: 2024-03-23. Review status: criteria provided, single submitter. Criteria: Invitae Variant Classification Sherloc (09022015). Collection method: clinical testing. Allele origin: germline.
Comment: This sequence change replaces proline, which is neutral and non-polar, with serine, which is neutral and polar, at codon 1121 of the SRCAP protein (p.Pro1121Ser). This variant is present in population databases (rs376896419, gnomAD 0.003%). This variant has not been reported in the literature in individuals affected with SRCAP-related conditions. Advanced modeling of protein sequence and biophysical properties (such as structural, functional, and spatial information, amino acid conservation, physicochemical variation, residue mobility, and thermodynamic stability) performed at Invitae indicates that this missense variant is not expected to disrupt SRCAP protein function with a negative predictive value of 80%. In summary, the available evidence is currently insufficient to determine the role of this variant in disease. Therefore, it has been classified as a Variant of Uncertain Significance.

NM_006662.3(SRCAP):c.3361C>T (p.Pro1121Ser)

Gene: SRCAP (Snf2 related CREBBP activator protein; plus strand). Cytogenetic location: 16p11.2.
Variant type: single nucleotide variant.
Coding change: c.3361C>T on transcript NM_006662.3 (MANE Select); coding-DNA position 3361, C replaced by T.
Protein change: p.Pro1121Ser; replaces proline 1121 with serine.
Molecular consequence: missense variant.
Genome position (GRCh38, 1-based): chr16:30,721,296, C>T. VCF-style: chr16-30721296-C-T. GRCh37 (hg19) VCF-style: chr16-30732617-C-T.
Other names: short protein forms P1121S.
Identifiers: ClinVar variation 3674867 (VCV003674867.2).